The following is an entry in ClinVar:

NM_000094.4(COL7A1):c.4560T>A (p.Pro1520=)

Gene: COL7A1 (collagen type VII alpha 1 chain; minus strand). Cytogenetic location: 3p21.31.
Variant type: single nucleotide variant.
Coding change: c.4560T>A on transcript NM_000094.4 (MANE Select); coding-DNA position 4560, T replaced by A.
Protein change: p.Pro1520=; no amino-acid change (proline 1520 retained).
Molecular consequence: synonymous variant.
Genome position (GRCh38, 1-based): chr3:48,582,612, A>T on the plus strand (T>A on the coding strand, the complement: COL7A1 is on the minus strand). VCF-style: chr3-48582612-A-T. GRCh37 (hg19) VCF-style: chr3-48620045-A-T.
Identifiers: ClinVar variation 737150 (VCV000737150.41), dbSNP rs142686837, ClinGen allele CA2379960.
Genomic context (GRCh38, chr3:48,582,612, plus strand): 5'-AAAGGGGAGGGACACACAAAAGTCCCACTCCTGGTCCCACCACAGTCACAGACTCACTTC[A>T]GGACCCTTGGCTCCAGGACGTCCAGCAACCCCTGGCAGCCCCTGGAGGAGAGGAAGGGAA-3'
Protein context (NP_000085.1, residues 1510-1530): GVAGRPGAKG[Pro1520=]EGPPGPTGRQ

ClinVar aggregate classification (germline): Conflicting classifications of pathogenicity. Review status: criteria provided, conflicting classifications (1 of 4 stars). 4 submissions from 4 submitters: Uncertain significance (1); Benign (1); Likely benign (1). 1 of the submissions does not count toward it. Last evaluated 2026-01-26.

Conditions:
Epidermolysis bullosa dystrophica. Also called: Dystrophic epidermolysis bullosa, Hallopeau-Siemens type (formerly); Dystrophic epidermolysis bullosa. Identifiers: Orphanet 303, MedGen C0079294, MONDO:0006543.

Allele frequency attached by ClinVar (database versions not stated): TOPMed 0.00004; gnomAD 0.00006 and 0.00007; gnomAD exomes 0.00009 and 0.00015; ESP Exome Variant Server 0.00015; ExAC 0.00024.
gnomAD v4.1: 148 of 1,613,548 alleles (0.0092%); highest among the groups gnomAD compares: South Asian, 0.011%; 1 homozygote.

Submissions (4):

Labcorp Genetics (formerly Invitae), Labcorp
Classification: Benign. Last evaluated: 2026-01-26. Review status: criteria provided, single submitter. Criteria: Invitae Variant Classification Sherloc (09022015). Collection method: clinical testing. Allele origin: germline.

CeGaT Center for Human Genetics Tuebingen
Classification: Likely benign. Last evaluated: 2022-09-01. Review status: criteria provided, single submitter. Criteria: CeGaT Center For Human Genetics Tuebingen Variant Classification Criteria Version 2. Collection method: clinical testing. Allele origin: germline. Affected: yes. Observed: 1 variant allele.
Comment: COL7A1: BP4, BP7

Illumina Laboratory Services, Illumina
Classification: Uncertain significance for Dystrophic epidermolysis bullosa. Last evaluated: 2018-01-13. Review status: criteria provided, single submitter. Criteria: ICSL Variant Classification Criteria 13 December 2019. Collection method: clinical testing. Allele origin: germline.

Natera, Inc.
Classification: Likely benign for Dystrophic epidermolysis bullosa. Last evaluated: 2020-01-26. Review status: no assertion criteria provided. Collection method: clinical testing. Allele origin: germline. Not counted in ClinVar's aggregate classification.